The following is an entry in ClinVar:

ClinVar aggregate classification (germline): Uncertain significance (1 of 4 stars; one submission).

Submission:

GeneDx
Classification: Uncertain significance. Last evaluated: 2020-07-13. Review status: criteria provided, single submitter. Criteria: GeneDx Variant Classification Process June 2021. Collection method: clinical testing. Allele origin: germline. Affected: yes.
Comment: Not observed in large population cohorts (Lek et al., 2016); In silico analysis, which includes protein predictors and evolutionary conservation, supports a deleterious effect; Has not been previously published as pathogenic or benign to our knowledge

NM_001111125.3(IQSEC2):c.1307G>A (p.Cys436Tyr)

Gene: IQSEC2 (IQ motif and Sec7 domain ArfGEF 2; minus strand). Cytogenetic location: Xp11.22.
Variant type: single nucleotide variant.
Coding change: c.1307G>A on transcript NM_001111125.3 (MANE Select); coding-DNA position 1307, G replaced by A.
Protein change: p.Cys436Tyr; replaces cysteine 436 with tyrosine.
Molecular consequence: missense variant.
Genome position (GRCh38, 1-based): chrX:53,254,624, C>T on the plus strand (G>A on the coding strand, the complement: IQSEC2 is on the minus strand). VCF-style: chrX-53254624-C-T. GRCh37 (hg19) VCF-style: chrX-53283806-C-T.
Other names: c.692G>A, p.Cys231Tyr (NM_015075.2); short protein forms C231Y, C436Y.
Identifiers: ClinVar variation 1212031 (VCV001212031.3), dbSNP rs2147120894, ClinGen allele CA413169108.
Genomic context (GRCh38, chrX:53,254,624, plus strand): 5'-TCATTAGAAAACTCTCCAGATGTGGTGACGGAGCTTCCACCACCATCGATGCCCCCACCA[C>T]AGGAGCCTCCATATGGGAGCCCCCGTTCAAGCCGGTGGCTCCGGGCACCAGCCATGGCAC-3'
Protein context (NP_001104595.1, residues 426-446): LERGLPYGGS[Cys436Tyr]GGGIDGGGSS